The following is an entry in ClinVar:

NM_000400.4(ERCC2):c.1802G>T (p.Arg601Leu)

Gene: ERCC2 (ERCC excision repair 2, TFIIH core complex helicase subunit; minus strand). Cytogenetic location: 19q13.32.
Variant type: single nucleotide variant.
Coding change: c.1802G>T on transcript NM_000400.4 (MANE Select); coding-DNA position 1802, G replaced by T.
Protein change: p.Arg601Leu; replaces arginine 601 with leucine.
Molecular consequence: missense variant.
Genome position (GRCh38, 1-based): chr19:45,353,112, C>A on the plus strand (G>T on the coding strand, the complement: ERCC2 is on the minus strand). VCF-style: chr19-45353112-C-A. GRCh37 (hg19) VCF-style: chr19-45856370-C-A.
Other names: short protein forms R601L.
Identifiers: ClinVar variation 2573404 (VCV002573404.7), dbSNP rs140522180, ClinGen allele CA9513074.

ClinVar aggregate classification (germline): Pathogenic/Likely pathogenic. Review status: criteria provided, multiple submitters, no conflicts (2 of 4 stars). 4 submissions from 4 submitters: Pathogenic (2); Likely pathogenic (2). Last evaluated 2024-04-11.

Conditions:
Cerebrooculofacioskeletal syndrome 2 (COFS2). Identifiers: MedGen C1853102, MONDO:0012553, OMIM 610756.
Xeroderma pigmentosum (XP). Identifiers: Orphanet 910, MedGen C0043346, MONDO:0019600.
Xeroderma pigmentosum, group D (XPD). Also called: XERODERMA PIGMENTOSUM, COMPLEMENTATION GROUP D; ERCC2-Related Xeroderma Pigmentosum; XERODERMA PIGMENTOSUM IV; XP, GROUP D; XP, GROUP H. Identifiers: MedGen C0268138, MONDO:0010212, OMIM 278730.
Trichothiodystrophy 1, photosensitive (TTD1). Also called: PIBIDS SYNDROME; TAY SYNDROME; TRICHOTHIODYSTROPHY WITH CONGENITAL ICHTHYOSIS. Identifiers: Orphanet 33364, MedGen C1866504, MONDO:0011125, OMIM 601675.

Submissions (4):

Fulgent Genetics
Classification: Likely pathogenic for Xeroderma pigmentosum, group D; Trichothiodystrophy 1, photosensitive; Cerebrooculofacioskeletal syndrome 2. Last evaluated: 2024-04-11. Review status: criteria provided, single submitter. Criteria: ACMG Guidelines, 2015. Collection method: clinical testing. Allele origin: germline.

Baylor Genetics
Classification: Pathogenic for Cerebrooculofacioskeletal syndrome 2. Last evaluated: 2024-03-16. Review status: criteria provided, single submitter. Criteria: ACMG Guidelines, 2015. Collection method: clinical testing. Allele origin: unknown.

Labcorp Genetics (formerly Invitae), Labcorp
Classification: Pathogenic. Last evaluated: 2024-01-22. Review status: criteria provided, single submitter. Criteria: Invitae Variant Classification Sherloc (09022015). Collection method: clinical testing. Allele origin: germline.
Comment: This sequence change replaces arginine, which is basic and polar, with leucine, which is neutral and non-polar, at codon 601 of the ERCC2 protein (p.Arg601Leu). This variant is present in population databases (rs140522180, gnomAD 0.01%). This missense change has been observed in individual(s) with xeroderma pigmentosum (PMID: 3341805, 9238033, 23800062, 32974964). ClinVar contains an entry for this variant (Variation ID: 2573404). Advanced modeling of protein sequence and biophysical properties (such as structural, functional, and spatial information, amino acid conservation, physicochemical variation, residue mobility, and thermodynamic stability) performed at Invitae indicates that this missense variant is expected to disrupt ERCC2 protein function with a positive predictive value of 80%. Experimental studies have shown that this missense change affects ERCC2 function (PMID: 25431422, 32974964). For these reasons, this variant has been classified as Pathogenic.

Women's Health and Genetics/Laboratory Corporation of America, LabCorp
Classification: Likely pathogenic for Xeroderma pigmentosum. Last evaluated: 2023-06-23. Review status: criteria provided, single submitter. Criteria: LabCorp Variant Classification Summary - May 2015. Collection method: clinical testing. Allele origin: germline.
Comment: Variant summary: ERCC2 c.1802G>T (p.Arg601Leu) results in a non-conservative amino acid change located in the ATP-dependent helicase, C terminal domain (IPR006555) of the encoded protein sequence. Five of five in-silico tools predict a damaging effect of the variant on protein function. The variant allele was found at a frequency of 2e-05 in 250910 control chromosomes (gnomAD). c.1802G>T has been reported in the literature as a biallelic genotype in individuals affected with Xeroderma Pigmentosum (e.g. Taylor_1997, Schafer_2013, Sugaya_2021). These data indicate that the variant is likely to be associated with disease. At least two publications report experimental evidence evaluating an impact of the variant on nucletodide excision repair (NER) in fibroblasts from homozygous patients and found that it results in a reduction in NER activity to at least 70% of normal (e.g. Schafer_2013, Sugaya_2021). The following publications have been ascertained in the context of this evaluation (PMID: 23800062, 25431422, 32974964, 9238033). No submitters have cited clinical-significance assessments for this variant to ClinVar after 2014. Based on the evidence outlined above, the variant was classified as likely pathogenic.

Literature cited by the submitters: PubMed 3341805 (cited by Labcorp Genetics (formerly Invitae), Labcorp); PubMed 9238033 (cited by Labcorp Genetics (formerly Invitae), Labcorp and Women's Health and Genetics/Laboratory Corporation of America, LabCorp); PubMed 23800062 (cited by Labcorp Genetics (formerly Invitae), Labcorp and Women's Health and Genetics/Laboratory Corporation of America, LabCorp); PubMed 32974964 (cited by Labcorp Genetics (formerly Invitae), Labcorp and Women's Health and Genetics/Laboratory Corporation of America, LabCorp); PubMed 25431422 (cited by Labcorp Genetics (formerly Invitae), Labcorp and Women's Health and Genetics/Laboratory Corporation of America, LabCorp).